The following is an entry in ClinVar:

ClinVar aggregate classification (germline): Pathogenic (1 of 4 stars; one submission).

Submission:

Labcorp Genetics (formerly Invitae), Labcorp
Classification: Pathogenic. Last evaluated: 2023-11-18. Review status: criteria provided, single submitter. Criteria: Invitae Variant Classification Sherloc (09022015). Collection method: clinical testing. Allele origin: germline.
Comment: This sequence change creates a premature translational stop signal (p.Arg564Ilefs*20) in the CPLANE1 gene. It is expected to result in an absent or disrupted protein product. Loss-of-function variants in CPLANE1 are known to be pathogenic (PMID: 24178751, 26092869). This variant is present in population databases (no rsID available, gnomAD 0.004%). This variant has not been reported in the literature in individuals affected with CPLANE1-related conditions. For these reasons, this variant has been classified as Pathogenic.

Literature cited by the submitters: PubMed 24178751; PubMed 26092869.

NM_001384732.1(CPLANE1):c.1689_1690dup (p.Arg564fs)

Gene: CPLANE1 (ciliogenesis and planar polarity effector complex subunit 1; minus strand). Cytogenetic location: 5p13.2.
Variant type: Duplication.
Coding change: c.1689_1690dup on transcript NM_001384732.1 (MANE Select); coding-DNA positions 1689 to 1690, 2 bases duplicated (TA; older notation c.1689_1690dupTA).
Protein change: p.Arg564fs; shifts the reading frame from arginine 564.
Molecular consequence: frameshift variant.
Genome position (GRCh38, 1-based): chr5:37,226,905-37,226,906, TA duplicated on the plus strand (TA on the coding strand, the reverse complement: CPLANE1 is on the minus strand); duplicating any 2 consecutive bases within chr5:37,226,905-37,226,907 gives the same sequence; the c. name uses the placement nearest the transcript's 3' end. VCF-style (leftmost placement, unchanged base first): chr5-37226904-C-CTA. GRCh37 (hg19) VCF-style: chr5-37227006-C-CTA.
Other names: c.1689_1690dup, p.Arg564fs (NM_023073.4); short protein forms R564fs.
Identifiers: ClinVar variation 2727505 (VCV002727505.3), dbSNP rs1405449925, ClinGen allele CA559295642.